The following is an entry in ClinVar:

NM_002470.4(MYH3):c.1524G>C (p.Glu508Asp)

Gene: MYH3 (myosin heavy chain 3; minus strand). Cytogenetic location: 17p13.1.
Variant type: single nucleotide variant.
Coding change: c.1524G>C on transcript NM_002470.4 (MANE Select); coding-DNA position 1524, G replaced by C.
Protein change: p.Glu508Asp; replaces glutamic acid 508 with aspartic acid.
Molecular consequence: missense variant.
Genome position (GRCh38, 1-based): chr17:10,642,883, C>G on the plus strand (G>C on the coding strand, the complement: MYH3 is on the minus strand). VCF-style: chr17-10642883-C-G. GRCh37 (hg19) VCF-style: chr17-10546200-C-G.
Other names: short protein forms E508D.
Identifiers: ClinVar variation 3400774 (VCV003400774.2).

ClinVar aggregate classification (germline): Uncertain significance. Review status: criteria provided, multiple submitters, no conflicts (2 of 4 stars). 2 submissions from 2 submitters: Uncertain significance (2). Last evaluated 2025-11-27.

Conditions:
Inborn genetic diseases. Identifiers: MedGen C0950123, MeSH D030342.

gnomAD v4.1: 4 of 1,614,222 alleles (0.00025%); highest among the groups gnomAD compares: Admixed American, 0.0067%; no homozygotes.

Submissions (2):

Labcorp Genetics (formerly Invitae), Labcorp
Classification: Uncertain significance. Last evaluated: 2025-11-27. Review status: criteria provided, single submitter. Criteria: Invitae Variant Classification Sherloc (09022015). Collection method: clinical testing. Allele origin: germline.
Comment: This sequence change replaces glutamic acid, which is acidic and polar, with aspartic acid, which is acidic and polar, at codon 508 of the MYH3 protein (p.Glu508Asp). This variant is present in population databases (no rsID available, gnomAD 0.003%). This variant has not been reported in the literature in individuals affected with MYH3-related conditions. ClinVar contains an entry for this variant (Variation ID: 3400774). Invitae Evidence Modeling of protein sequence and biophysical properties (such as structural, functional, and spatial information, amino acid conservation, physicochemical variation, residue mobility, and thermodynamic stability) indicates that this missense variant is not expected to disrupt MYH3 protein function with a negative predictive value of 95%. In summary, the available evidence is currently insufficient to determine the role of this variant in disease. Therefore, it has been classified as a Variant of Uncertain Significance.

Ambry Genetics
Classification: Uncertain significance for Inborn genetic diseases. Last evaluated: 2024-08-20. Review status: criteria provided, single submitter. Criteria: Ambry Variant Classification Scheme 2023. Collection method: clinical testing. Allele origin: germline.